The following is an entry in ClinVar:

NM_001134407.3(GRIN2A):c.1409C>G (p.Thr470Ser)

Gene: GRIN2A (glutamate ionotropic receptor NMDA type subunit 2A; minus strand). Cytogenetic location: 16p13.2.
Variant type: single nucleotide variant.
Coding change: c.1409C>G on transcript NM_001134407.3 (MANE Select); coding-DNA position 1409, C replaced by G.
Protein change: p.Thr470Ser; replaces threonine 470 with serine.
Molecular consequence: missense variant.
Genome position (GRCh38, 1-based): chr16:9,841,024, G>C on the plus strand (C>G on the coding strand, the complement: GRIN2A is on the minus strand). VCF-style: chr16-9841024-G-C. GRCh37 (hg19) VCF-style: chr16-9934881-G-C.
Other names: c.1409C>G, p.Thr470Ser (NM_000833.5, NM_001134408.2); short protein forms T470S.
Identifiers: ClinVar variation 949348 (VCV000949348.7), dbSNP rs752320310, ClinGen allele CA394800715.

ClinVar aggregate classification (germline): Uncertain significance (1 of 4 stars; one submission).

Conditions:
Landau-Kleffner syndrome (FESD). Also called: EPILEPSY, FOCAL, WITH SPEECH DISORDER AND WITH OR WITHOUT MENTAL RETARDATION; APHASIA, ACQUIRED, WITH EPILEPSY. Identifiers: Orphanet 1945, Orphanet 725, Orphanet 98818, MedGen C0282512, MONDO:0009509, OMIM 245570.

Submission:

Labcorp Genetics (formerly Invitae), Labcorp
Classification: Uncertain significance for Landau-Kleffner syndrome. Last evaluated: 2019-05-10. Review status: criteria provided, single submitter. Criteria: Invitae Variant Classification Sherloc (09022015). Collection method: clinical testing. Allele origin: germline.
Comment: This sequence change replaces threonine with serine at codon 470 of the GRIN2A protein (p.Thr470Ser). The threonine residue is moderately conserved and there is a small physicochemical difference between threonine and serine. This variant is not present in population databases (ExAC no frequency). This variant has not been reported in the literature in individuals with GRIN2A-related conditions. Algorithms developed to predict the effect of missense changes on protein structure and function (SIFT, PolyPhen-2, Align-GVGD) all suggest that this variant is likely to be tolerated, but these predictions have not been confirmed by published functional studies and their clinical significance is uncertain. In summary, the available evidence is currently insufficient to determine the role of this variant in disease. Therefore, it has been classified as a Variant of Uncertain Significance.